The following is an entry in ClinVar:

ClinVar aggregate classification (germline): Uncertain significance (1 of 4 stars; one submission).

Allele frequency attached by ClinVar (database versions not stated): gnomAD exomes below 0.00001.

Submission:

Ambry Genetics
Classification: Uncertain significance. Last evaluated: 2024-05-28. Review status: criteria provided, single submitter. Criteria: Ambry Variant Classification Scheme 2023. Collection method: clinical testing. Allele origin: germline.
Comment: The p.F491L variant (also known as c.1473C>G), located in coding exon 1 of the MLH3 gene, results from a C to G substitution at nucleotide position 1473. The phenylalanine at codon 491 is replaced by leucine, an amino acid with highly similar properties. This amino acid position is poorly conserved in available vertebrate species. In addition, this alteration is predicted to be tolerated by in silico analysis. Since supporting evidence is limited at this time, the clinical significance of this alteration remains unclear.

NM_001040108.2(MLH3):c.1473C>G (p.Phe491Leu)

Gene: MLH3 (mutL homolog 3; minus strand). Cytogenetic location: 14q24.3.
Variant type: single nucleotide variant.
Coding change: c.1473C>G on transcript NM_001040108.2 (MANE Select); coding-DNA position 1473, C replaced by G.
Protein change: p.Phe491Leu; replaces phenylalanine 491 with leucine.
Molecular consequence: missense variant.
Genome position (GRCh38, 1-based): chr14:75,048,183, G>C on the plus strand (C>G on the coding strand, the complement: MLH3 is on the minus strand). VCF-style: chr14-75048183-G-C. GRCh37 (hg19) VCF-style: chr14-75514886-G-C.
Other names: c.1473C>G, p.Phe491Leu (NM_014381.3); short protein forms F491L.
Identifiers: ClinVar variation 1773400 (VCV001773400.3), dbSNP rs2139582669, ClinGen allele CA390445448.